The following is an entry in ClinVar:

ClinVar aggregate classification (germline): Uncertain significance. Review status: criteria provided, multiple submitters, no conflicts (2 of 4 stars). 2 submissions from 2 submitters: Uncertain significance (2). Last evaluated 2026-02-13.

Conditions:
Hereditary cancer-predisposing syndrome. Also called: Neoplastic Syndromes, Hereditary; Tumor predisposition; Hereditary neoplastic syndrome; Hereditary Cancer Syndrome. Identifiers: Orphanet 140162, MedGen C0027672, MeSH D009386, MONDO:0015356.

Submissions (2):

Ambry Genetics
Classification: Uncertain significance for Hereditary cancer-predisposing syndrome. Last evaluated: 2026-02-13. Review status: criteria provided, single submitter. Criteria: Ambry Variant Classification Scheme 2023. Collection method: clinical testing. Allele origin: germline.
Comment: The p.K2816R variant (also known as c.8447A>G), located in coding exon 57 of the ATM gene, results from an A to G substitution at nucleotide position 8447. The lysine at codon 2816 is replaced by arginine, an amino acid with highly similar properties. This amino acid position is conserved. In addition, this alteration is predicted to be tolerated by in silico analysis. Based on the available evidence, the clinical significance of this variant remains unclear.

GeneDx
Classification: Uncertain significance. Last evaluated: 2025-01-31. Review status: criteria provided, single submitter. Criteria: GeneDx Variant Classification Process June 2021. Collection method: clinical testing. Allele origin: germline. Affected: yes.
Comment: Not observed at significant frequency in large population cohorts (gnomAD); In silico analysis indicates that this missense variant does not alter protein structure/function; Has not been previously published as pathogenic or benign to our knowledge; This variant is associated with the following publications: (PMID: 23532176)

NM_000051.4(ATM):c.8447A>G (p.Lys2816Arg)

Genes: ATM (ATM serine/threonine kinase; plus strand), C11orf65 (chromosome 11 open reading frame 65; minus strand). Cytogenetic location: 11q22.3.
Variant type: single nucleotide variant.
Coding change: c.8447A>G on transcript NM_000051.4 (MANE Select); coding-DNA position 8447, A replaced by G.
Protein change: p.Lys2816Arg; replaces lysine 2816 with arginine.
Molecular consequence: missense variant. On other transcripts: intron variant (2).
Genome position (GRCh38, 1-based): chr11:108,345,771, A>G. VCF-style: chr11-108345771-A-G. GRCh37 (hg19) VCF-style: chr11-108216498-A-G.
Other names: c.8447A>G, p.Lys2816Arg (NM_001351834.2); c.641-36700T>C (NM_001330368.2); c.695-10479T>C (NM_001351110.2); short protein forms K2816R.
Identifiers: ClinVar variation 4072781 (VCV004072781.2).